The following is an entry in ClinVar:

ClinVar aggregate classification (germline): Uncertain significance. Review status: criteria provided, multiple submitters, no conflicts (2 of 4 stars). 3 submissions from 3 submitters: Uncertain significance (3). Last evaluated 2024-11-04.

Conditions:
Inborn genetic diseases. Identifiers: MedGen C0950123, MeSH D030342.

Allele frequency attached by ClinVar (database versions not stated): 1000 Genomes Project 30x 0.00016; 1000 Genomes Project 0.00020.
gnomAD v4.1: 4 of 1,614,184 alleles (0.00025%); highest among the groups gnomAD compares: East Asian, 0.0045%; no homozygotes.

Submissions (3):

Labcorp Genetics (formerly Invitae), Labcorp
Classification: Uncertain significance. Last evaluated: 2024-11-04. Review status: criteria provided, single submitter. Criteria: Invitae Variant Classification Sherloc (09022015). Collection method: clinical testing. Allele origin: germline.
Comment: This sequence change replaces threonine, which is neutral and polar, with arginine, which is basic and polar, at codon 9 of the PIGP protein (p.Thr9Arg). The frequency data for this variant in the population databases is considered unreliable, as metrics indicate poor data quality at this position in the gnomAD database. This variant has not been reported in the literature in individuals affected with PIGP-related conditions. ClinVar contains an entry for this variant (Variation ID: 1922815). Experimental studies and prediction algorithms are not available or were not evaluated, and the functional significance of this variant is currently unknown. In summary, the available evidence is currently insufficient to determine the role of this variant in disease. Therefore, it has been classified as a Variant of Uncertain Significance.

Ambry Genetics
Classification: Uncertain significance for Inborn genetic diseases. Last evaluated: 2023-06-02. Review status: criteria provided, single submitter. Criteria: Ambry Variant Classification Scheme 2023. Collection method: clinical testing. Allele origin: germline.

GeneDx
Classification: Uncertain significance. Last evaluated: 2023-01-25. Review status: criteria provided, single submitter. Criteria: GeneDx Variant Classification Process June 2021. Collection method: clinical testing. Allele origin: germline. Affected: yes.
Comment: In silico analysis supports that this variant does not alter protein structure/function; Has not been previously published as pathogenic or benign to our knowledge

NM_153682.3(PIGP):c.-22-25C>G

Genes: PIGP (phosphatidylinositol glycan anchor biosynthesis class P; minus strand), LOC130066643 (ATAC-STARR-seq lymphoblastoid silent region 13296; plus strand). Cytogenetic location: 21q22.13.
Variant type: single nucleotide variant.
Coding change: c.-22-25C>G on transcript NM_153682.3 (MANE Select); 25 bases into the intron before 22 bases upstream of the start codon, C replaced by G.
Molecular consequence: intron variant. On other transcripts: missense variant (1).
Genome position (GRCh38, 1-based): chr21:37,072,562, G>C on the plus strand (C>G on the coding strand, the complement: PIGP is on the minus strand). VCF-style: chr21-37072562-G-C. GRCh37 (hg19) VCF-style: chr21-38444862-G-C.
Other names: c.26C>G, p.Thr9Arg (NM_153681.2); c.-266-25C>G (NM_016430.4); c.-22-25C>G (NM_001320480.2); c.25_26delinsAG (NM_153681.2); short protein forms T9R.
Identifiers: ClinVar variation 1922815 (VCV001922815.6), dbSNP rs567491390, ClinGen allele CA320408000.